The following is an entry in ClinVar:

NM_003108.4(SOX11):c.537G>A (p.Lys179=)

Gene: SOX11 (SRY-box transcription factor 11; plus strand). Cytogenetic location: 2p25.2.
Variant type: single nucleotide variant.
Coding change: c.537G>A on transcript NM_003108.4 (MANE Select); coding-DNA position 537, G replaced by A.
Protein change: p.Lys179=; no amino-acid change (lysine 179 retained).
Molecular consequence: synonymous variant.
Genome position (GRCh38, 1-based): chr2:5,693,258, G>A. VCF-style: chr2-5693258-G-A. GRCh37 (hg19) VCF-style: chr2-5833390-G-A.
Identifiers: ClinVar variation 718393 (VCV000718393.9), dbSNP rs1003264904, ClinGen allele CA42006686.
Genomic context (GRCh38, chr2:5,693,258, plus strand): 5'-CTCCAAGGGCTCCAGCAAGAAATGCGGCAAGCTCAAGGCCCCCGCGGCCGCGGGCGCCAA[G>A]GCGGGCGCGGGCAAGGCGGCCCAGTCCGGGGACTACGGGGGCGCGGGCGACGACTACGTG-3'
Protein context (NP_003099.1, residues 169-189): KLKAPAAAGA[Lys179=]AGAGKAAQSG

ClinVar aggregate classification (germline): Likely benign. Review status: criteria provided, single submitter (1 of 4 stars). 2 submissions from 2 submitters: Likely benign (1). 1 of the submissions does not count toward it. Last evaluated 2025-10-02.

Conditions:
SOX11-related disorder. Also called: SOX11-related condition.

Allele frequency attached by ClinVar (database versions not stated): gnomAD 0.00001 and 0.00003; gnomAD exomes 0.00003 and 0.00013; TOPMed 0.00003.

Submissions (2):

Labcorp Genetics (formerly Invitae), Labcorp
Classification: Likely benign. Last evaluated: 2025-10-02. Review status: criteria provided, single submitter. Criteria: Invitae Variant Classification Sherloc (09022015). Collection method: clinical testing. Allele origin: germline.

PreventionGenetics, part of Exact Sciences
Classification: Likely benign for SOX11-related condition. Last evaluated: 2024-02-19. Review status: no assertion criteria provided. Collection method: clinical testing. Allele origin: germline. Not counted in ClinVar's aggregate classification.
Comment: This variant is classified as likely benign based on ACMG/AMP sequence variant interpretation guidelines (Richards et al. 2015 PMID: 25741868, with internal and published modifications).